The following is an entry in ClinVar:

ClinVar aggregate classification (germline): Likely benign. Review status: criteria provided, multiple submitters, no conflicts (2 of 4 stars). 3 submissions from 3 submitters: Likely benign (3). Last evaluated 2025-07-10.

Conditions:
MYO5B-related disorder. Also called: MYO5B-related condition.

Allele frequency attached by ClinVar (database versions not stated): TOPMed 0.00004; gnomAD 0.00006 and 0.00007; gnomAD exomes 0.00011; ExAC 0.00012; 1000 Genomes Project 30x 0.00016; 1000 Genomes Project 0.00020.
gnomAD v4.1: 102 of 1,612,256 alleles (0.0063%); highest among the groups gnomAD compares: East Asian, 0.15%; no homozygotes.

Submissions (3):

PreventionGenetics, part of Exact Sciences
Classification: Likely benign for MYO5B-related condition. Last evaluated: 2025-07-10. Review status: criteria provided, single submitter. Criteria: ACMG Guidelines, 2015. Collection method: clinical testing. Allele origin: germline.
Comment: This variant is classified as likely benign based on ACMG/AMP sequence variant interpretation guidelines (Richards et al. 2015 PMID: 25741868, with internal and published modifications).

Labcorp Genetics (formerly Invitae), Labcorp
Classification: Likely benign. Last evaluated: 2025-01-29. Review status: criteria provided, single submitter. Criteria: Invitae Variant Classification Sherloc (09022015). Collection method: clinical testing. Allele origin: germline.

Blueprint Genetics
Classification: Likely benign. Last evaluated: 2022-12-28. Review status: criteria provided, single submitter. Criteria: ACMG Guidelines, 2015. Collection method: clinical testing. Allele origin: germline.

NM_001080467.3(MYO5B):c.2802C>T (p.Ile934=)

Gene: MYO5B (myosin VB; minus strand). Cytogenetic location: 18q21.1.
Variant type: single nucleotide variant.
Coding change: c.2802C>T on transcript NM_001080467.3 (MANE Select); coding-DNA position 2802, C replaced by T.
Protein change: p.Ile934=; no amino-acid change (isoleucine 934 retained).
Molecular consequence: synonymous variant.
Genome position (GRCh38, 1-based): chr18:49,902,603, G>A on the plus strand (C>T on the coding strand, the complement: MYO5B is on the minus strand). VCF-style: chr18-49902603-G-A. GRCh37 (hg19) VCF-style: chr18-47428973-G-A.
Other names: c.2802C>T (NM_001080467.2).
Identifiers: ClinVar variation 1569422 (VCV001569422.10), dbSNP rs191202140, ClinGen allele CA8960952.
Genomic context (GRCh38, chr18:49,902,603, plus strand): 5'-GCTCCAGTACCCAAGCCCCCGACACCCAGGTAGGGAGCTGCAGACACTGACCTGCTCATC[G>A]ATCTTCCGCTGCAGCTGGACCACCTTGTTCTCCATGCCCACGTTGAGACGTTTCAGATGC-3'
Protein context (NP_001073936.1, residues 924-944): ENKVVQLQRK[Ile934=]DEQNKEFKTL